The following is an entry in ClinVar:

ClinVar aggregate classification (germline): Uncertain significance (1 of 4 stars; one submission).

Submission:

Labcorp Genetics (formerly Invitae), Labcorp
Classification: Uncertain significance. Last evaluated: 2023-06-27. Review status: criteria provided, single submitter. Criteria: Invitae Variant Classification Sherloc (09022015). Collection method: clinical testing. Allele origin: germline.
Comment: This variant has not been reported in the literature in individuals affected with MTOR-related conditions. In summary, the available evidence is currently insufficient to determine the role of this variant in disease. Therefore, it has been classified as a Variant of Uncertain Significance. Advanced modeling of protein sequence and biophysical properties (such as structural, functional, and spatial information, amino acid conservation, physicochemical variation, residue mobility, and thermodynamic stability) performed at Invitae indicates that this missense variant is not expected to disrupt MTOR protein function. This variant is not present in population databases (gnomAD no frequency). This sequence change replaces glutamine, which is neutral and polar, with glutamic acid, which is acidic and polar, at codon 1684 of the MTOR protein (p.Gln1684Glu).

NM_004958.4(MTOR):c.5050C>G (p.Gln1684Glu)

Gene: MTOR (mechanistic target of rapamycin kinase; minus strand). Cytogenetic location: 1p36.22.
Variant type: single nucleotide variant.
Coding change: c.5050C>G on transcript NM_004958.4 (MANE Select); coding-DNA position 5050, C replaced by G.
Protein change: p.Gln1684Glu; replaces glutamine 1684 with glutamic acid.
Molecular consequence: missense variant.
Genome position (GRCh38, 1-based): chr1:11,139,384, G>C on the plus strand (C>G on the coding strand, the complement: MTOR is on the minus strand). VCF-style: chr1-11139384-G-C. GRCh37 (hg19) VCF-style: chr1-11199441-G-C.
Other names: c.5050C>G, p.Gln1684Glu (NM_001386500.1); c.3802C>G, p.Gln1268Glu (NM_001386501.1); short protein forms Q1684E, Q1268E.
Identifiers: ClinVar variation 2729740 (VCV002729740.3), dbSNP rs2100477341, ClinGen allele CA338401925.